The following is an entry in ClinVar:

ClinVar aggregate classification (germline): Uncertain significance (0 of 4 stars; one submission).

Conditions:
MTMR8-related disorder. Also called: MTMR8-related condition.

Submission:

PreventionGenetics, part of Exact Sciences
Classification: Uncertain significance for MTMR8-related condition. Last evaluated: 2024-07-26. Review status: no assertion criteria provided. Collection method: clinical testing. Allele origin: germline.
Comment: The MTMR8 c.21delC variant is predicted to result in a frameshift and premature protein termination (p.Lys8Argfs*2). To our knowledge, this variant has not been reported in the literature or in a large population database, indicating this variant is rare. Although we suspect that this variant may be pathogenic, at this time, the clinical significance of this variant is uncertain due to the absence of conclusive functional and genetic evidence.

NM_017677.4(MTMR8):c.21del (p.Lys8fs)

Gene: MTMR8 (myotubularin related protein 8; minus strand). Cytogenetic location: Xq11.2.
Variant type: Deletion.
Coding change: c.21del on transcript NM_017677.4 (MANE Select); coding-DNA position 21, one base deleted (C; older notation c.21delC).
Protein change: p.Lys8fs; shifts the reading frame from lysine 8.
Molecular consequence: frameshift variant.
Genome position (GRCh38, 1-based): chrX:64,395,343, G deleted on the plus strand (C on the coding strand, the reverse complement: MTMR8 is on the minus strand); the first of 3 consecutive G bases (chrX:64,395,343-64,395,345); deleting any one gives the same sequence. VCF-style (leftmost placement, unchanged base first): chrX-64395342-TG-T. GRCh37 (hg19) VCF-style: chrX-63615222-TG-T.
Other names: short protein forms K8fs.
Identifiers: ClinVar variation 3344599 (VCV003344599.1).